The following is an entry in ClinVar:

NM_000057.4(BLM):c.2603C>A (p.Pro868Gln)

Gene: BLM (BLM RecQ like helicase; plus strand). Cytogenetic location: 15q26.1.
Variant type: single nucleotide variant.
Coding change: c.2603C>A on transcript NM_000057.4 (MANE Select); coding-DNA position 2603, C replaced by A.
Protein change: p.Pro868Gln; replaces proline 868 with glutamine.
Molecular consequence: missense variant.
Genome position (GRCh38, 1-based): chr15:90,782,869, C>A. VCF-style: chr15-90782869-C-A. GRCh37 (hg19) VCF-style: chr15-91326099-C-A.
Other names: c.2603C>A, p.Pro868Gln (NM_001287246.2, NM_001287247.2); c.1478C>A, p.Pro493Gln (NM_001287248.2); short protein forms P868Q, P493Q.
Identifiers: ClinVar variation 855803 (VCV000855803.7), dbSNP rs2227935, ClinGen allele CA393845693.

ClinVar aggregate classification (germline): Uncertain significance (1 of 4 stars; one submission).

Conditions:
Bloom syndrome (BLM). Also called: Bloom-Torre-Machacek syndrome. Identifiers: Orphanet 125, MedGen C0005859, MONDO:0008876, OMIM 210900.

gnomAD v4.1: 1 of 1,613,396 alleles (0.000062%); no homozygotes.

Submission:

Labcorp Genetics (formerly Invitae), Labcorp
Classification: Uncertain significance for Bloom syndrome. Last evaluated: 2021-08-30. Review status: criteria provided, single submitter. Criteria: Invitae Variant Classification Sherloc (09022015). Collection method: clinical testing. Allele origin: germline.
Comment: This sequence change replaces proline with glutamine at codon 868 of the BLM protein (p.Pro868Gln). The proline residue is highly conserved and there is a moderate physicochemical difference between proline and glutamine. This variant is not present in population databases (ExAC no frequency). This variant has not been reported in the literature in individuals affected with BLM-related conditions. Algorithms developed to predict the effect of missense changes on protein structure and function are either unavailable or do not agree on the potential impact of this missense change (SIFT: "Deleterious"; PolyPhen-2: "Probably Damaging"; Align-GVGD: "Class C0"). Algorithms developed to predict the effect of sequence changes on RNA splicing suggest that this variant may create or strengthen a splice site. In summary, the available evidence is currently insufficient to determine the role of this variant in disease. Therefore, it has been classified as a Variant of Uncertain Significance.